The following is an entry in ClinVar:

NM_000548.5(TSC2):c.3788C>A (p.Pro1263His)

Gene: TSC2 (TSC complex subunit 2; plus strand). Cytogenetic location: 16p13.3.
Variant type: single nucleotide variant.
Coding change: c.3788C>A on transcript NM_000548.5 (MANE Select); coding-DNA position 3788, C replaced by A.
Protein change: p.Pro1263His; replaces proline 1263 with histidine.
Molecular consequence: missense variant.
Genome position (GRCh38, 1-based): chr16:2,081,772, C>A. VCF-style: chr16-2081772-C-A. GRCh37 (hg19) VCF-style: chr16-2131773-C-A.
Other names: c.3656C>A, p.Pro1219His (NM_001077183.3, NM_001370404.1, NM_001406665.1); c.3788C>A, p.Pro1263His (NM_001114382.3); c.3548C>A, p.Pro1183His (NM_001318827.2); c.3512C>A, p.Pro1171His (NM_001318829.2); c.3056C>A, p.Pro1019His (NM_001318831.2, NM_001406687.1, NM_001406688.1); c.3689C>A, p.Pro1230His (NM_001318832.2); c.3659C>A, p.Pro1220His (NM_001363528.2, NM_001370405.1, NM_021055.3); c.3785C>A, p.Pro1262His (NM_001406663.1, NM_001406664.1); and 18 more; short protein forms P1020H, P1063H, P1171H, P1214H, P1249H, P685H, P1062H, P1170H.
Identifiers: ClinVar variation 2145463 (VCV002145463.5), dbSNP rs1057523452, ClinGen allele CA394293485.

ClinVar aggregate classification (germline): Uncertain significance. Review status: criteria provided, multiple submitters, no conflicts (2 of 4 stars). 2 submissions from 2 submitters: Uncertain significance (2). Last evaluated 2024-06-15.

Conditions:
Isolated focal cortical dysplasia type II (FCORD2). Also called: Focal cortical dysplasia type II; CORTICAL DYSPLASIA OF TAYLOR. Identifiers: Orphanet 268994, MedGen C1846385, MONDO:0011818, OMIM 607341, HP:0032051.
Tuberous sclerosis 2 (TSC2). Identifiers: Orphanet 805, MedGen C1860707, MONDO:0013199, OMIM 613254.
Lymphangiomyomatosis (LAM). Also called: Lymphangioleiomyomatosis; Lymphangioleiomyomatosis, somatic. Identifiers: Orphanet 538, MedGen C0751674, MONDO:0011705, OMIM 606690.

Submissions (2):

Fulgent Genetics
Classification: Uncertain significance for Lymphangiomyomatosis; Isolated focal cortical dysplasia type II; Tuberous sclerosis 2. Last evaluated: 2024-06-15. Review status: criteria provided, single submitter. Criteria: ACMG Guidelines, 2015. Collection method: clinical testing. Allele origin: germline.

Labcorp Genetics (formerly Invitae), Labcorp
Classification: Uncertain significance for Tuberous sclerosis 2. Last evaluated: 2022-03-26. Review status: criteria provided, single submitter. Criteria: Invitae Variant Classification Sherloc (09022015). Collection method: clinical testing. Allele origin: germline.
Comment: In summary, the available evidence is currently insufficient to determine the role of this variant in disease. Therefore, it has been classified as a Variant of Uncertain Significance. Advanced modeling of protein sequence and biophysical properties (such as structural, functional, and spatial information, amino acid conservation, physicochemical variation, residue mobility, and thermodynamic stability) performed at Invitae indicates that this missense variant is not expected to disrupt TSC2 protein function. This variant has not been reported in the literature in individuals affected with TSC2-related conditions. This variant is not present in population databases (gnomAD no frequency). This sequence change replaces proline, which is neutral and non-polar, with histidine, which is basic and polar, at codon 1263 of the TSC2 protein (p.Pro1263His).